The following is an entry in ClinVar:

ClinVar aggregate classification (germline): Uncertain significance (1 of 4 stars; one submission).

Conditions:
Dystonic disorder. Also called: Dystonia. Identifiers: MedGen C0013421, MONDO:0003441, HP:0001332.

gnomAD v4.1: 2 of 1,608,546 alleles (0.00012%); highest among the groups gnomAD compares: East Asian, 0.0022%; no homozygotes.

Submission:

Labcorp Genetics (formerly Invitae), Labcorp
Classification: Uncertain significance for Dystonic disorder. Last evaluated: 2024-06-12. Review status: criteria provided, single submitter. Criteria: Invitae Variant Classification Sherloc (09022015). Collection method: clinical testing. Allele origin: germline.
Comment: This sequence change replaces threonine, which is neutral and polar, with alanine, which is neutral and non-polar, at codon 144 of the CIZ1 protein (p.Thr144Ala). This variant is not present in population databases (gnomAD no frequency). This variant has not been reported in the literature in individuals affected with CIZ1-related conditions. Algorithms developed to predict the effect of missense changes on protein structure and function output the following: SIFT: "Not Available"; PolyPhen-2: "Benign"; Align-GVGD: "Not Available". The alanine amino acid residue is found in multiple mammalian species, which suggests that this missense change does not adversely affect protein function. In summary, the available evidence is currently insufficient to determine the role of this variant in disease. Therefore, it has been classified as a Variant of Uncertain Significance.

NM_001131016.2(CIZ1):c.430A>G (p.Thr144Ala)

Gene: CIZ1 (CDKN1A interacting zinc finger protein 1; minus strand). Cytogenetic location: 9q34.11.
Variant type: single nucleotide variant.
Coding change: c.430A>G on transcript NM_001131016.2 (MANE Select); coding-DNA position 430, A replaced by G.
Protein change: p.Thr144Ala; replaces threonine 144 with alanine.
Molecular consequence: missense variant.
Genome position (GRCh38, 1-based): chr9:128,185,705, T>C on the plus strand (A>G on the coding strand, the complement: CIZ1 is on the minus strand). VCF-style: chr9-128185705-T-C. GRCh37 (hg19) VCF-style: chr9-130947984-T-C.
Other names: c.430A>G, p.Thr144Ala (NM_001131015.2, NM_001131017.2, NM_012127.3); c.358A>G, p.Thr120Ala (NM_001131018.2); c.520A>G, p.Thr174Ala (NM_001257975.2); c.127A>G, p.Thr43Ala (NM_001257976.2); short protein forms T144A, T120A, T174A, T43A.
Identifiers: ClinVar variation 3656316 (VCV003656316.2).